The following is an entry in ClinVar:

NM_199355.4(ADAMTS18):c.643C>A (p.Arg215Ser)

Gene: ADAMTS18 (ADAM metallopeptidase with thrombospondin type 1 motif 18; minus strand). Cytogenetic location: 16q23.1.
Variant type: single nucleotide variant.
Coding change: c.643C>A on transcript NM_199355.4 (MANE Select); coding-DNA position 643, C replaced by A.
Protein change: p.Arg215Ser; replaces arginine 215 with serine.
Molecular consequence: missense variant. On other transcripts: synonymous variant (1).
Genome position (GRCh38, 1-based): chr16:77,367,576, G>T on the plus strand (C>A on the coding strand, the complement: ADAMTS18 is on the minus strand). VCF-style: chr16-77367576-G-T. GRCh37 (hg19) VCF-style: chr16-77401473-G-T.
Other names: c.123C>A, p.Thr41= (NM_001326358.2); short protein forms R215S.
Identifiers: ClinVar variation 2068259 (VCV002068259.4), dbSNP rs760054443, ClinGen allele CA396825455.

ClinVar aggregate classification (germline): Uncertain significance (1 of 4 stars; one submission).

gnomAD v4.1: 1 of 1,614,234 alleles (0.000062%); highest among the groups gnomAD compares: African/African-American, 0.0013%; no homozygotes.

Submission:

Labcorp Genetics (formerly Invitae), Labcorp
Classification: Uncertain significance. Last evaluated: 2022-08-21. Review status: criteria provided, single submitter. Criteria: Invitae Variant Classification Sherloc (09022015). Collection method: clinical testing. Allele origin: germline.
Comment: In summary, the available evidence is currently insufficient to determine the role of this variant in disease. Therefore, it has been classified as a Variant of Uncertain Significance. Algorithms developed to predict the effect of missense changes on protein structure and function output the following: SIFT: "Not Available"; PolyPhen-2: "Benign"; Align-GVGD: "Not Available". The serine amino acid residue is found in multiple mammalian species, which suggests that this missense change does not adversely affect protein function. This variant has not been reported in the literature in individuals affected with ADAMTS18-related conditions. This variant is not present in population databases (gnomAD no frequency). This sequence change replaces arginine, which is basic and polar, with serine, which is neutral and polar, at codon 215 of the ADAMTS18 protein (p.Arg215Ser).